The following is an entry in ClinVar:

ClinVar aggregate classification (germline): Pathogenic (1 of 4 stars; one submission).

Conditions:
Hyperphosphatasia with impaired intellectual development syndrome 4. Also called: GLYCOSYLPHOSPHATIDYLINOSITOL BIOSYNTHESIS DEFECT 10; Hyperphosphatasia with intellectual disability syndrome 4. Identifiers: Orphanet 247262, MedGen C3810354, MONDO:0014318, OMIM 615716.

Submission:

Institute of Human Genetics, University of Goettingen
Classification: Pathogenic for Hyperphosphatasia with impaired intellectual development syndrome 4. Last evaluated: 2024-12-04. Review status: criteria provided, single submitter. Criteria: ACMG Guidelines, 2015. Collection method: clinical testing. Allele origin: maternal. Inheritance: Autosomal recessive inheritance. Affected: yes.
Comment: The variant c.355del (p.(Leu119Trpfs*2)) in exon 3 of the PGAP3 gene is not found in the gnomAD database and changes the protein sequence at position Leu119, the new reading frame ends in a STOP codon at position 2 and thus interrupts the reading frame prematurely. ACMG criteria used for classification: PVS1, PM3, PM2_SUP.

NM_033419.5(PGAP3):c.355del (p.Leu119fs)

Gene: PGAP3 (post-GPI attachment to proteins phospholipase 3; minus strand). Cytogenetic location: 17q12.
Variant type: Deletion.
Coding change: c.355del on transcript NM_033419.5 (MANE Select); coding-DNA position 355, one base deleted (C; older notation c.355delC).
Protein change: p.Leu119fs; shifts the reading frame from leucine 119.
Molecular consequence: frameshift variant. On other transcripts: intron variant (1).
Genome position (GRCh38, 1-based): chr17:39,684,674, G deleted on the plus strand (C on the coding strand, the reverse complement: PGAP3 is on the minus strand); the first of 2 consecutive G bases (chr17:39,684,674-39,684,675); deleting either gives the same sequence. VCF-style (leftmost placement, unchanged base first): chr17-39684673-AG-A. GRCh37 (hg19) VCF-style: chr17-37840926-AG-A.
Other names: c.355del, p.Leu119fs (NM_001291728.2, NM_001291730.2, NM_001291732.2 and 1 more transcripts); c.279+1248del (NM_001291726.2); short protein forms L119fs.
Identifiers: ClinVar variation 3385330 (VCV003385330.2).